The following is an entry in ClinVar:

NM_001378454.1(ALMS1):c.6211A>G (p.Ile2071Val)

Gene: ALMS1 (ALMS1 centrosome and basal body associated protein; plus strand). Cytogenetic location: 2p13.1.
Variant type: single nucleotide variant.
Coding change: c.6211A>G on transcript NM_001378454.1 (MANE Select); coding-DNA position 6211, A replaced by G.
Protein change: p.Ile2071Val; replaces isoleucine 2071 with valine.
Molecular consequence: missense variant.
Genome position (GRCh38, 1-based): chr2:73,452,738, A>G. VCF-style: chr2-73452738-A-G. GRCh37 (hg19) VCF-style: chr2-73679865-A-G.
Other names: c.6214A>G, p.Ile2072Val (NM_015120.4); short protein forms I2072V, I2071V.
Identifiers: ClinVar variation 598187 (VCV000598187.10), dbSNP rs1020163869, ClinGen allele CA50397593.
Genomic context (GRCh38, chr2:73,452,738, plus strand): 5'-ACAGTAAAGCCCAATATTTTATTTCAACAGCAGTTGCCAGATAGAGATCAAAGTAAAGGT[A>G]TTCTAAAGATTTCAGCTGTCCCTGAACTAACTGATGTGAATACTGGAAAACCAGTATCTC-3'
Protein context (NP_001365383.1, residues 2061-2081): QLPDRDQSKG[Ile2071Val]LKISAVPELT

ClinVar aggregate classification (germline): Conflicting classifications of pathogenicity. Review status: criteria provided, conflicting classifications (1 of 4 stars). 3 submissions from 3 submitters: Uncertain significance (2); Likely benign (1). Last evaluated 2023-10-26.

Conditions:
Alstrom syndrome (ALMS). Identifiers: Orphanet 64, MedGen C0268425, MONDO:0008763, OMIM 203800.
Cardiovascular phenotype. Identifiers: MedGen CN230736.

Allele frequency attached by ClinVar (database versions not stated): gnomAD exomes below 0.00001; TOPMed 0.00002.
gnomAD v4.1: 1 of 1,613,554 alleles (0.000062%); highest among the groups gnomAD compares: Non-Finnish European, 0.000085%; no homozygotes.

Submissions (3):

Ambry Genetics
Classification: Likely benign for Cardiovascular phenotype. Last evaluated: 2023-10-26. Review status: criteria provided, single submitter. Criteria: Ambry Variant Classification Scheme 2023. Collection method: clinical testing. Allele origin: germline.

Labcorp Genetics (formerly Invitae), Labcorp
Classification: Uncertain significance for Alstrom syndrome. Last evaluated: 2022-04-30. Review status: criteria provided, single submitter. Criteria: Invitae Variant Classification Sherloc (09022015). Collection method: clinical testing. Allele origin: germline.
Comment: In summary, the available evidence is currently insufficient to determine the role of this variant in disease. Therefore, it has been classified as a Variant of Uncertain Significance. Experimental studies and prediction algorithms are not available or were not evaluated, and the functional significance of this variant is currently unknown. ClinVar contains an entry for this variant (Variation ID: 598187). This variant has not been reported in the literature in individuals affected with ALMS1-related conditions. This variant is not present in population databases (gnomAD no frequency). This sequence change replaces isoleucine, which is neutral and non-polar, with valine, which is neutral and non-polar, at codon 2072 of the ALMS1 protein (p.Ile2072Val).

Eurofins Ntd Llc (ga)
Classification: Uncertain significance. Last evaluated: 2018-08-17. Review status: criteria provided, single submitter. Criteria: EGL ClinVar v180209 classification definitions. Collection method: clinical testing. Allele origin: germline. Observed: 1 variant allele, 1 heterozygote.